The following is an entry in ClinVar:

NM_001127178.3(PIGG):c.1632C>A (p.Ser544Arg)

Gene: PIGG (phosphatidylinositol glycan anchor biosynthesis class G (EMM blood group); plus strand). Cytogenetic location: 4p16.3.
Variant type: single nucleotide variant.
Coding change: c.1632C>A on transcript NM_001127178.3 (MANE Select); coding-DNA position 1632, C replaced by A.
Protein change: p.Ser544Arg; replaces serine 544 with arginine.
Molecular consequence: missense variant. On other transcripts: non-coding transcript variant (7).
Genome position (GRCh38, 1-based): chr4:523,476, C>A. VCF-style: chr4-523476-C-A. GRCh37 (hg19) VCF-style: chr4-517265-C-A.
Other names: c.1365C>A, p.Ser455Arg (NM_001289051.2, NM_001345986.2); c.1233C>A, p.Ser411Arg (NM_001289052.2); c.1341C>A, p.Ser447Arg (NM_001345987.2); c.603C>A, p.Ser201Arg (NM_001345988.2); c.99C>A, p.Ser33Arg (NM_001345990.2, NM_001345991.2); c.534C>A, p.Ser178Arg (NM_001345994.2); c.1608C>A, p.Ser536Arg (NM_017733.5); short protein forms S33R, S536R, S411R, S544R, S178R, S455R, S201R, S447R.
Identifiers: ClinVar variation 1514342 (VCV001514342.5), dbSNP rs2108965084, ClinGen allele CA355906442.

ClinVar aggregate classification (germline): Uncertain significance (1 of 4 stars; one submission).

Conditions:
Intellectual disability, autosomal recessive 53 (NEDHSCA). Also called: GLYCOSYLPHOSPHATIDYLINOSITOL BIOSYNTHESIS DEFECT 13; Mental retardation, autosomal recessive 53; NEURODEVELOPMENTAL DISORDER WITH OR WITHOUT HYPOTONIA, SEIZURES, AND CEREBELLAR ATROPHY. Identifiers: Orphanet 488635, MedGen C4310794, MONDO:0014832, OMIM 616917.

Submission:

Labcorp Genetics (formerly Invitae), Labcorp
Classification: Uncertain significance for Intellectual disability, autosomal recessive 53. Last evaluated: 2024-10-16. Review status: criteria provided, single submitter. Criteria: Invitae Variant Classification Sherloc (09022015). Collection method: clinical testing. Allele origin: germline.
Comment: This sequence change replaces serine, which is neutral and polar, with arginine, which is basic and polar, at codon 544 of the PIGG protein (p.Ser544Arg). This variant is not present in population databases (gnomAD no frequency). This variant has not been reported in the literature in individuals affected with PIGG-related conditions. ClinVar contains an entry for this variant (Variation ID: 1514342). Invitae Evidence Modeling of protein sequence and biophysical properties (such as structural, functional, and spatial information, amino acid conservation, physicochemical variation, residue mobility, and thermodynamic stability) indicates that this missense variant is not expected to disrupt PIGG protein function with a negative predictive value of 80%. In summary, the available evidence is currently insufficient to determine the role of this variant in disease. Therefore, it has been classified as a Variant of Uncertain Significance.